The following is an entry in ClinVar:

ClinVar aggregate classification (germline): Uncertain significance. Review status: criteria provided, multiple submitters, no conflicts (2 of 4 stars). 2 submissions from 2 submitters: Uncertain significance (2). Last evaluated 2025-03-08.

Submissions (2):

Ambry Genetics
Classification: Uncertain significance. Last evaluated: 2025-03-08. Review status: criteria provided, single submitter. Criteria: Ambry Variant Classification Scheme 2023. Collection method: clinical testing. Allele origin: germline.
Comment: The p.I106S variant (also known as c.317T>G), located in coding exon 2 of the RNF43 gene, results from a T to G substitution at nucleotide position 317. The isoleucine at codon 106 is replaced by serine, an amino acid with dissimilar properties. This amino acid position is conserved. In addition, the in silico prediction for this alteration is inconclusive. Based on the available evidence, the clinical significance of this variant remains unclear.

Labcorp Genetics (formerly Invitae), Labcorp
Classification: Uncertain significance. Last evaluated: 2021-09-04. Review status: criteria provided, single submitter. Criteria: Invitae Variant Classification Sherloc (09022015). Collection method: clinical testing. Allele origin: germline.
Comment: This sequence change replaces isoleucine with serine at codon 106 of the RNF43 protein (p.Ile106Ser). The isoleucine residue is moderately conserved and there is a large physicochemical difference between isoleucine and serine. This variant is not present in population databases (ExAC no frequency). This variant has not been reported in the literature in individuals affected with RNF43-related conditions. Algorithms developed to predict the effect of missense changes on protein structure and function are either unavailable or do not agree on the potential impact of this missense change (SIFT: "Deleterious"; PolyPhen-2: "Probably Damaging"; Align-GVGD: "Class C0"). Algorithms developed to predict the effect of sequence changes on RNA splicing suggest that this variant may create or strengthen a splice site. In summary, the available evidence is currently insufficient to determine the role of this variant in disease. Therefore, it has been classified as a Variant of Uncertain Significance.

NM_017763.6(RNF43):c.317T>G (p.Ile106Ser)

Gene: RNF43 (ring finger protein 43; minus strand). Cytogenetic location: 17q22.
Variant type: single nucleotide variant.
Coding change: c.317T>G on transcript NM_017763.6 (MANE Select); coding-DNA position 317, T replaced by G.
Protein change: p.Ile106Ser; replaces isoleucine 106 with serine.
Molecular consequence: missense variant.
Genome position (GRCh38, 1-based): chr17:58,370,969, A>C on the plus strand (T>G on the coding strand, the complement: RNF43 is on the minus strand). VCF-style: chr17-58370969-A-C. GRCh37 (hg19) VCF-style: chr17-56448330-A-C.
Other names: c.317T>G, p.Ile106Ser (NM_001305544.3); c.-65T>G (NM_001305545.2); short protein forms I106S.
Identifiers: ClinVar variation 1379499 (VCV001379499.7), dbSNP rs2143515081, ClinGen allele CA400343660.
Genomic context (GRCh38, chr17:58,370,969, plus strand): 5'-ACCTTGCTAGCCAGTGACAGGCAGGGGCGGGGGGCCCGTCGAGGACTCTCCAGCTTGACG[A>C]TGCTGATGAATCCAGGCTCCAGATTGTCGTCATCACTGGCATTGCACAGGTACAGCGGGT-3'
Protein context (NP_060233.3, residues 96-116): DDNLEPGFIS[Ile106Ser]VKLESPRRAP